The following is an entry in ClinVar:

NM_207352.4(CYP4V2):c.1378T>C (p.Phe460Leu)

Gene: CYP4V2 (cytochrome P450 family 4 subfamily V member 2; plus strand). Cytogenetic location: 4q35.2.
Variant type: single nucleotide variant.
Coding change: c.1378T>C on transcript NM_207352.4 (MANE Select); coding-DNA position 1378, T replaced by C.
Protein change: p.Phe460Leu; replaces phenylalanine 460 with leucine.
Molecular consequence: missense variant.
Genome position (GRCh38, 1-based): chr4:186,209,245, T>C. VCF-style: chr4-186209245-T-C. GRCh37 (hg19) VCF-style: chr4-187130399-T-C.
Other names: short protein forms F460L.
Identifiers: ClinVar variation 1493877 (VCV001493877.7), dbSNP rs1736634848, ClinGen allele CA358950663.

ClinVar aggregate classification (germline): Uncertain significance. Review status: criteria provided, multiple submitters, no conflicts (2 of 4 stars). 2 submissions from 2 submitters: Uncertain significance (2). Last evaluated 2023-10-01.

Conditions:
Retinal dystrophy. Also called: Inherited retinal dystrophy. Identifiers: Orphanet 71862, MedGen C0854723, MeSH D058499, MONDO:0019118, HP:0000556.

Allele frequency attached by ClinVar (database versions not stated): gnomAD exomes below 0.00001.
gnomAD v4.1: 1 of 1,614,050 alleles (0.000062%); highest among the groups gnomAD compares: East Asian, 0.0022%; no homozygotes.

Submissions (2):

Dept Of Ophthalmology, Nagoya University
Classification: Uncertain significance for Retinal dystrophy. Last evaluated: 2023-10-01. Review status: criteria provided, single submitter. Criteria: Submitter's publication. Collection method: research. Allele origin: germline. Affected: yes.

Labcorp Genetics (formerly Invitae), Labcorp
Classification: Uncertain significance. Last evaluated: 2021-08-20. Review status: criteria provided, single submitter. Criteria: Invitae Variant Classification Sherloc (09022015). Collection method: clinical testing. Allele origin: germline.
Comment: This sequence change replaces phenylalanine with leucine at codon 460 of the CYP4V2 protein (p.Phe460Leu). The phenylalanine residue is highly conserved and there is a small physicochemical difference between phenylalanine and leucine. This variant is not present in population databases (ExAC no frequency). This missense change has been observed in individual(s) with Bietti crystalline corneoretinal dystrophy (Invitae). Algorithms developed to predict the effect of missense changes on protein structure and function are either unavailable or do not agree on the potential impact of this missense change (SIFT: "Deleterious"; PolyPhen-2: "Probably Damaging"; Align-GVGD: "Class C0"). This variant disrupts the p.Phe460 amino acid residue in CYP4V2. Other variant(s) that disrupt this residue have been observed in individuals with CYP4V2-related conditions (PMID: 27658286; Invitae), which suggests that this may be a clinically significant amino acid residue. In summary, the available evidence is currently insufficient to determine the role of this variant in disease. Therefore, it has been classified as a Variant of Uncertain Significance.

Literature cited by the submitters: PubMed 27658286 (cited by Labcorp Genetics (formerly Invitae), Labcorp).